The following is an entry in ClinVar:

NM_015378.4(VPS13D):c.276G>T (p.Glu92Asp)

Gene: VPS13D (vacuolar protein sorting 13 homolog D; plus strand). Cytogenetic location: 1p36.22.
Variant type: single nucleotide variant.
Coding change: c.276G>T on transcript NM_015378.4 (MANE Select); coding-DNA position 276, G replaced by T.
Protein change: p.Glu92Asp; replaces glutamic acid 92 with aspartic acid.
Molecular consequence: missense variant.
Genome position (GRCh38, 1-based): chr1:12,244,346, G>T. VCF-style: chr1-12244346-G-T. GRCh37 (hg19) VCF-style: chr1-12304403-G-T.
Other names: p.Glu92Asp; c.276G>T, p.Glu92Asp (NM_018156.4); c.276G>T (NM_015378.2); short protein forms E92D.
Identifiers: ClinVar variation 1806727 (VCV001806727.8), dbSNP rs150965747, ClinGen allele CA601160.

ClinVar aggregate classification (germline): Conflicting classifications of pathogenicity. Review status: criteria provided, conflicting classifications (1 of 4 stars). 4 submissions from 4 submitters: Uncertain significance (1); Benign (1); Likely benign (2). Last evaluated 2025-12-08.

Conditions:
Inborn genetic diseases. Identifiers: MedGen C0950123, MeSH D030342.

Allele frequency attached by ClinVar (database versions not stated): gnomAD exomes 0.00013; ExAC 0.00049; 1000 Genomes Project 0.00120; gnomAD 0.00140; 1000 Genomes Project 30x 0.00141; TOPMed 0.00156; ESP Exome Variant Server 0.00208.
gnomAD v4.1: 407 of 1,614,124 alleles (0.025%); highest among the groups gnomAD compares: African/African-American, 0.51%; 5 homozygotes.

Submissions (4):

Labcorp Genetics (formerly Invitae), Labcorp
Classification: Likely benign. Last evaluated: 2025-12-08. Review status: criteria provided, single submitter. Criteria: Invitae Variant Classification Sherloc (09022015). Collection method: clinical testing. Allele origin: germline.

Mayo Clinic Laboratories, Mayo Clinic
Classification: Benign. Last evaluated: 2023-06-14. Review status: criteria provided, single submitter. Criteria: ACMG Guidelines, 2015. Collection method: clinical testing. Allele origin: germline. Observed: 2 variant alleles.
Comment: BA1, BP4

GeneDx
Classification: Uncertain significance. Last evaluated: 2022-06-23. Review status: criteria provided, single submitter. Criteria: GeneDx Variant Classification Process June 2021. Collection method: clinical testing. Allele origin: germline. Affected: yes.
Comment: In silico analysis supports that this missense variant does not alter protein structure/function; Has not been previously published as pathogenic or benign to our knowledge

Ambry Genetics
Classification: Likely benign for Inborn genetic diseases. Last evaluated: 2022-02-09. Review status: criteria provided, single submitter. Criteria: Ambry Variant Classification Scheme 2023. Collection method: clinical testing. Allele origin: germline.